The following is an entry in ClinVar:

ClinVar aggregate classification (germline): Uncertain significance. Review status: criteria provided, multiple submitters, no conflicts (2 of 4 stars). 3 submissions from 3 submitters: Uncertain significance (3). Last evaluated 2024-01-08.

Conditions:
Neurofibromatosis, type 1 (NF1). Also called: Peripheral type neurofibromatosis; Neurofibromatosis, type I; VON RECKLINGHAUSEN DISEASE; NEUROFIBROMATOSIS, TYPE I, SOMATIC. Identifiers: Orphanet 636, MedGen C0027831, MONDO:0018975, OMIM 162200. Disease mechanism: loss of function.
Neurofibromatosis, familial spinal (FSNF). Identifiers: Orphanet 636, MedGen C1834235, MONDO:0008078, OMIM 162210. Disease mechanism: loss of function.
Juvenile myelomonocytic leukemia (JMML). Also called: LEUKEMIA, JUVENILE MYELOMONOCYTIC, SOMATIC. Identifiers: Orphanet 86834, MedGen C0349639, MONDO:0011908, OMIM 607785, HP:0012209.
Café-au-lait macules with pulmonary stenosis (WTSN). Also called: PULMONIC STENOSIS WITH CAFE-AU-LAIT SPOTS. Identifiers: MedGen C0553586, MONDO:0008672, OMIM 193520.
Neurofibromatosis-Noonan syndrome (NFNS). Also called: NEUROFIBROMATOSIS WITH NOONAN PHENOTYPE. Identifiers: Orphanet 638, MedGen C2931482, MONDO:0011035, OMIM 601321. Disease mechanism: loss of function.
Hereditary cancer-predisposing syndrome. Also called: Hereditary neoplastic syndrome; Neoplastic Syndromes, Hereditary; Hereditary Cancer Syndrome; Tumor predisposition. Identifiers: Orphanet 140162, MedGen C0027672, MeSH D009386, MONDO:0015356.
Cardiovascular phenotype. Identifiers: MedGen CN230736.

Submissions (3):

Fulgent Genetics
Classification: Uncertain significance for Neurofibromatosis, type 1; Neurofibromatosis, familial spinal; Café-au-lait macules with pulmonary stenosis; Neurofibromatosis-Noonan syndrome; Juvenile myelomonocytic leukemia. Last evaluated: 2024-01-08. Review status: criteria provided, single submitter. Criteria: ACMG Guidelines, 2015. Collection method: clinical testing. Allele origin: germline.

Labcorp Genetics (formerly Invitae), Labcorp
Classification: Uncertain significance for Neurofibromatosis, type 1. Last evaluated: 2023-08-18. Review status: criteria provided, single submitter. Criteria: Invitae Variant Classification Sherloc (09022015). Collection method: clinical testing. Allele origin: germline.
Comment: In summary, the available evidence is currently insufficient to determine the role of this variant in disease. Therefore, it has been classified as a Variant of Uncertain Significance. Advanced modeling of protein sequence and biophysical properties (such as structural, functional, and spatial information, amino acid conservation, physicochemical variation, residue mobility, and thermodynamic stability) has been performed at Invitae for this missense variant, however the output from this modeling did not meet the statistical confidence thresholds required to predict the impact of this variant on NF1 protein function. ClinVar contains an entry for this variant (Variation ID: 1416091). This variant has not been reported in the literature in individuals affected with NF1-related conditions. This variant is not present in population databases (gnomAD no frequency). This sequence change replaces isoleucine, which is neutral and non-polar, with valine, which is neutral and non-polar, at codon 605 of the NF1 protein (p.Ile605Val).

Ambry Genetics
Classification: Uncertain significance for Cardiovascular phenotype; Hereditary cancer-predisposing syndrome. Last evaluated: 2023-05-03. Review status: criteria provided, single submitter. Criteria: Ambry Variant Classification Scheme 2023. Collection method: clinical testing. Allele origin: germline.
Comment: The p.I605V variant (also known as c.1813A>G), located in coding exon 16 of the NF1 gene, results from an A to G substitution at nucleotide position 1813. The isoleucine at codon 605 is replaced by valine, an amino acid with highly similar properties. This amino acid position is conserved. In addition, this alteration is predicted to be tolerated by in silico analysis. Since supporting evidence is limited at this time, the clinical significance of this alteration remains unclear.

NM_001042492.3(NF1):c.1813A>G (p.Ile605Val)

Gene: NF1 (neurofibromin 1; plus strand). Cytogenetic location: 17q11.2.
Variant type: single nucleotide variant.
Coding change: c.1813A>G on transcript NM_001042492.3 (MANE Select); coding-DNA position 1813, A replaced by G.
Protein change: p.Ile605Val; replaces isoleucine 605 with valine.
Molecular consequence: missense variant.
Genome position (GRCh38, 1-based): chr17:31,223,535, A>G. VCF-style: chr17-31223535-A-G. GRCh37 (hg19) VCF-style: chr17-29550553-A-G.
Other names: c.1813A>G, p.Ile605Val (NM_000267.4); short protein forms I605V.
Identifiers: ClinVar variation 1416091 (VCV001416091.10), dbSNP rs2144016888, ClinGen allele CA399004499.